The following is an entry in ClinVar:

ClinVar aggregate classification (germline): Conflicting classifications of pathogenicity. Review status: criteria provided, conflicting classifications (1 of 4 stars). 6 submissions from 6 submitters: Uncertain significance (3); Likely benign (3). Last evaluated 2026-05-22.

Conditions:
TTN-related disorder. Also called: TTN-related condition; TTN-related disease; TTN-related disorders.
Cardiovascular phenotype. Identifiers: MedGen CN230736.

Allele frequency attached by ClinVar (database versions not stated): gnomAD 0.00006; gnomAD exomes 0.00006; ExAC 0.00010; TOPMed 0.00013; 1000 Genomes Project 30x 0.00031; ESP Exome Variant Server 0.00038; 1000 Genomes Project 0.00040.
gnomAD v4.1: 38 of 1,614,050 alleles (0.0024%); highest among the groups gnomAD compares: African/African-American, 0.039%; no homozygotes.

Submissions (6):

PreventionGenetics, part of Exact Sciences
Classification: Uncertain significance for TTN-related condition. Last evaluated: 2026-05-22. Review status: criteria provided, single submitter. Criteria: ACMG Guidelines, 2015. Collection method: clinical testing. Allele origin: germline.
Comment: The TTN c.4709G>C variant is predicted to result in the amino acid substitution p.Gly1570Ala. To our knowledge, this variant has not been reported in the literature. This variant is reported in 0.060% of alleles in individuals of African descent in gnomAD. Although we suspect that this variant may be benign, at this time, the clinical significance of this variant is uncertain due to the absence of conclusive functional and genetic evidence.

Molecular Diagnostic Laboratory for Inherited Cardiovascular Disease, Montreal Heart Institute
Classification: Likely benign. Last evaluated: 2025-04-09. Review status: criteria provided, single submitter. Criteria: ACMG Guidelines, 2015. Collection method: clinical testing. Allele origin: germline. Affected: no.

GeneDx
Classification: Likely benign. Last evaluated: 2021-01-18. Review status: criteria provided, single submitter. Criteria: GeneDx Variant Classification Process June 2021. Collection method: clinical testing. Allele origin: germline. Affected: yes.

Ambry Genetics
Classification: Likely benign for Cardiovascular phenotype. Last evaluated: 2020-09-23. Review status: criteria provided, single submitter. Criteria: Ambry Variant Classification Scheme 2023. Collection method: clinical testing. Allele origin: germline.

Revvity Omics, Revvity
Classification: Uncertain significance. Last evaluated: 2020-02-12. Review status: criteria provided, single submitter. Criteria: ACMG Guidelines, 2015. Collection method: clinical testing. Allele origin: germline.

Laboratory for Molecular Medicine, Mass General Brigham Personalized Medicine
Classification: Uncertain significance. Last evaluated: 2012-02-23. Review status: criteria provided, single submitter. Criteria: LMM Criteria. Collection method: clinical testing. Allele origin: germline. Observed: 1 variant allele.
Comment: The Gly1570Ala variant (TTN) has been identified in 3/3738 African American chro mosomes from a broad population by the NHBLI Exome Sequencing Project (s.). Glycine (Gly) at position 1570 is highly conserved in mammals and across evolutionarily distant species, though computational analyses (biochemical amino acid properties, AlignGVGD, and SIFT) do not provide strong support for or against an impact to the protein. Additional information is neede d to fully assess the clinical significance of the Gly1570Ala variant.

NM_001267550.2(TTN):c.4709G>C (p.Gly1570Ala)

Genes: TTN (titin; minus strand), LOC101927055 (uncharacterized LOC101927055; plus strand). Cytogenetic location: 2q31.2.
Variant type: single nucleotide variant.
Coding change: c.4709G>C on transcript NM_001267550.2 (MANE Select); coding-DNA position 4709, G replaced by C.
Protein change: p.Gly1570Ala; replaces glycine 1570 with alanine.
Molecular consequence: missense variant. On other transcripts: non-coding transcript variant (1).
Genome position (GRCh38, 1-based): chr2:178,777,254, C>G on the plus strand (G>C on the coding strand, the complement: TTN is on the minus strand). VCF-style: chr2-178777254-C-G. GRCh37 (hg19) VCF-style: chr2-179641981-C-G.
Other names: c.4709G>C, p.Gly1570Ala (NM_001256850.1, NM_133378.4, NM_133379.5); c.4571G>C, p.Gly1524Ala (NM_003319.4, NM_133432.3, NM_133437.4); short protein forms G1570A, G1524A.
Identifiers: ClinVar variation 47095 (VCV000047095.13), dbSNP rs199910114, ClinGen allele CA139992.
Genomic context (GRCh38, chr2:178,777,254, plus strand): 5'-AACCATACAATGTCAGGGTTGGGGTTACCCGTAGCTCTGACTTTCATTTCAAGTCGGGAA[C>G]CTTCCTTTATATTGACATTTTTCAGTTTTTCTACAAACATCGGTTTTACCTGATGTTCCA-3'
Protein context (NP_001254479.2, residues 1560-1580): EKLKNVNIKE[Gly1570Ala]SRLEMKVRAT